The following is an entry in ClinVar:

ClinVar aggregate classification (germline): Likely benign (1 of 4 stars; one submission).

Conditions:
VMA22-related condition.

gnomAD v4.1: 2 of 1,605,338 alleles (0.00012%); highest among the groups gnomAD compares: Non-Finnish European, 0.00017%; no homozygotes.

Submission:

PreventionGenetics, part of Exact Sciences
Classification: Likely benign for VMA22-related condition. Last evaluated: 2026-09-09. Review status: criteria provided, single submitter. Criteria: ACMG Guidelines, 2015. Collection method: clinical testing. Allele origin: germline.
Comment: This variant is classified as likely benign based on ACMG/AMP sequence variant interpretation guidelines (Richards et al. 2015 PMID: 25741868, with internal and published modifications).

NM_032357.4(VMA22):c.168C>A (p.Pro56=)

Gene: VMA22 (vacuolar ATPase assembly factor VMA22; minus strand). Cytogenetic location: 2q21.1.
Variant type: single nucleotide variant.
Coding change: c.168C>A on transcript NM_032357.4 (MANE Select); coding-DNA position 168, C replaced by A.
Protein change: p.Pro56=; no amino-acid change (proline 56 retained).
Molecular consequence: synonymous variant. On other transcripts: non-coding transcript variant (2).
Genome position (GRCh38, 1-based): chr2:130,341,888, G>T on the plus strand (C>A on the coding strand, the complement: VMA22 is on the minus strand). VCF-style: chr2-130341888-G-T. GRCh37 (hg19) VCF-style: chr2-131099461-G-T.
Other names: c.153C>A, p.Pro51= (NM_001321118.1); c.144C>A, p.Pro48= (NM_001321119.2).
Identifiers: ClinVar variation 4991498 (VCV004991498.1).
Genomic context (GRCh38, chr2:130,341,888, plus strand): 5'-GAAGCTTCCTCACCTGGCGTGGAGGCAGACCTGGGGCTCCATGTGGGAAGCATACTGCAG[G>T]GGCCCTACCGACTTGGCGCCCATCGCGTAGCGAGCCTTGGCGAGCGAGAGCCAGCCCTGC-3'
Protein context (NP_115733.2, residues 46-66): RYAMGAKSVG[Pro56=]LQYASHMEPQ